The following is an entry in ClinVar:

ClinVar aggregate classification (germline): Uncertain significance (1 of 4 stars; one submission).

Submission:

Labcorp Genetics (formerly Invitae), Labcorp
Classification: Uncertain significance. Last evaluated: 2022-01-14. Review status: criteria provided, single submitter. Criteria: Invitae Variant Classification Sherloc (09022015). Collection method: clinical testing. Allele origin: germline.
Comment: Algorithms developed to predict the effect of sequence changes on RNA splicing suggest that this variant may create or strengthen a splice site. In summary, the available evidence is currently insufficient to determine the role of this variant in disease. Therefore, it has been classified as a Variant of Uncertain Significance. This sequence change replaces alanine, which is neutral and non-polar, with valine, which is neutral and non-polar, at codon 180 of the GPR88 protein (p.Ala180Val). Algorithms developed to predict the effect of missense changes on protein structure and function are either unavailable or do not agree on the potential impact of this missense change (SIFT: "Deleterious"; PolyPhen-2: "Benign"; Align-GVGD: "Class C0"). This variant has not been reported in the literature in individuals affected with GPR88-related conditions. This variant is not present in population databases (gnomAD no frequency).

NM_022049.3(GPR88):c.539C>T (p.Ala180Val)

Gene: GPR88 (G protein-coupled receptor 88; plus strand). Cytogenetic location: 1p21.2.
Variant type: single nucleotide variant.
Coding change: c.539C>T on transcript NM_022049.3 (MANE Select); coding-DNA position 539, C replaced by T.
Protein change: p.Ala180Val; replaces alanine 180 with valine.
Molecular consequence: missense variant.
Genome position (GRCh38, 1-based): chr1:100,539,505, C>T. VCF-style: chr1-100539505-C-T. GRCh37 (hg19) VCF-style: chr1-101005061-C-T.
Other names: short protein forms A180V.
Identifiers: ClinVar variation 1484835 (VCV001484835.6), dbSNP rs1571385175, ClinGen allele CA341391993.